The following is an entry in ClinVar:

ClinVar aggregate classification (germline): Likely pathogenic (1 of 4 stars; one submission).

Conditions:
SCN3A-related disorder. Also called: SCN3A-related condition.

Submission:

3billion
Classification: Likely pathogenic for SCN3A-related disorder. Last evaluated: 2025-08-13. Review status: criteria provided, single submitter. Criteria: ACMG Guidelines, 2015. Collection method: clinical testing. Allele origin: germline. Affected: yes.
Comment: The variant is not observed in the gnomAD v4.1.0 dataset. Predicted Consequence/Location: Missense variant. Missense changes are a common disease-causing mechanism. In silico tool predictions suggest damaging effect of the variant on gene or gene product [REVEL: 0.98 (>=0.6, sensitivity 0.68 and specificity 0.92); 3Cnet: 1.00 (> 0.75, sensitivity 0.96 and precision 0.92)]. The same nucleotide change resulting in the same amino acid change has been previously reported to be associated with SCN3A-related disorder (PMID: 30146301).The variant has been previously reported as de novo in a similarly affected individual (PMID: 30146301). Therefore, this variant is classified as Likely pathogenic according to the recommendation of ACMG/AMP guideline.

Literature cited by the submitters: PubMed 30146301.

NM_006922.4(SCN3A):c.2549T>C (p.Leu850Pro)

Gene: SCN3A (sodium voltage-gated channel alpha subunit 3; minus strand). Cytogenetic location: 2q24.3.
Variant type: single nucleotide variant.
Coding change: c.2549T>C on transcript NM_006922.4 (MANE Select); coding-DNA position 2549, T replaced by C.
Protein change: p.Leu850Pro; replaces leucine 850 with proline.
Molecular consequence: missense variant.
Genome position (GRCh38, 1-based): chr2:165,131,260, A>G on the plus strand (T>C on the coding strand, the complement: SCN3A is on the minus strand). VCF-style: chr2-165131260-A-G. GRCh37 (hg19) VCF-style: chr2-165987770-A-G.
Other names: c.2402T>C, p.Leu801Pro (NM_001081676.2, NM_001081677.2); short protein forms L801P, L850P.
Identifiers: ClinVar variation 4853964 (VCV004853964.1).
Genomic context (GRCh38, chr2:165,131,260, plus strand): 5'-AAATGTTGTGCCAATGAGCGACAGGGATATATATAAATAGATACCAGTCTGAATGATCGC[A>G]GTACAGACAATCCCTCCACATTTGACAGACCAAGCTCCATTAAACTGAGGCTGACAATAA-3'
Protein context (NP_008853.3, residues 840-860): GLSNVEGLSV[Leu850Pro]RSFRLLRVFK